The following is an entry in ClinVar:

NM_001174089.2(SLC4A11):c.789dup (p.Ala264fs)

Gene: SLC4A11 (solute carrier family 4 member 11; minus strand). Cytogenetic location: 20p13.
Variant type: Duplication.
Coding change: c.789dup on transcript NM_001174089.2 (MANE Select); coding-DNA position 789, one base duplicated (C; older notation c.789dupC).
Protein change: p.Ala264fs; shifts the reading frame from alanine 264.
Molecular consequence: frameshift variant. On other transcripts: non-coding transcript variant (3).
Genome position (GRCh38, 1-based): chr20:3,231,489, G duplicated on the plus strand (C on the coding strand, the reverse complement: SLC4A11 is on the minus strand). VCF-style (leftmost placement, unchanged base first): chr20-3231488-C-CG. GRCh37 (hg19) VCF-style: chr20-3212134-C-CG.
Other names: c.918dup, p.Ala307fs (NM_001174090.2, NM_001400280.1); c.789dup, p.Ala264fs (NM_001363745.2); c.732dup, p.Ala245fs (NM_001400277.1, NM_001400278.1, NM_001400279.1); c.837dup, p.Ala280fs (NM_032034.4); short protein forms A245fs, A264fs, A280fs, A307fs.
Identifiers: ClinVar variation 4816316 (VCV004816316.1).

ClinVar aggregate classification (germline): Likely pathogenic (1 of 4 stars; one submission).

Conditions:
Corneal dystrophy-perceptive deafness syndrome (CDPD). Also called: CORNEAL DYSTROPHY AND SENSORINEURAL DEAFNESS; HARBOYAN SYNDROME. Identifiers: Orphanet 1490, MedGen C1857572, MONDO:0009015, OMIM 217400.

Submission:

Natera, Inc.
Classification: Likely pathogenic for Corneal dystrophy-perceptive deafness syndrome. Last evaluated: 2024-03-15. Review status: criteria provided, single submitter. Criteria: Natera Variant Classification Schema (03/2026). Collection method: clinical testing. Allele origin: germline.
Comment: The c.837dupC variant in SLC4A11 is a frameshift variant predicted to shift the reading frame beginning at codon 280 and leads to a stop codon 84 codons downstream. This variant is expected to result in nonsense mediated decay, truncation, or a dysfunctional protein product. This variant is rare in the general population with a frequency below the threshold expected for the associated phenotype(s). Given the available evidence, this variant is classified as Likely Pathogenic.